The following is an entry in ClinVar:

ClinVar aggregate classification (germline): Likely benign. Review status: criteria provided, multiple submitters, no conflicts (2 of 4 stars). 2 submissions from 2 submitters: Likely benign (2). Last evaluated 2026-01-05.

Conditions:
PROM1-related disorder. Also called: PROM1-related disorders; PROM1-related condition.

Allele frequency attached by ClinVar (database versions not stated): gnomAD exomes 0.00004 and 0.00010; 1000 Genomes Project 30x 0.00016; 1000 Genomes Project 0.00020; ExAC 0.00021; gnomAD 0.00053 and 0.00058; ESP Exome Variant Server 0.00074.
gnomAD v4.1: 137 of 1,500,572 alleles (0.0091%); highest among the groups gnomAD compares: African/African-American, 0.18%; no homozygotes.

Submissions (2):

Labcorp Genetics (formerly Invitae), Labcorp
Classification: Likely benign. Last evaluated: 2026-01-05. Review status: criteria provided, single submitter. Criteria: Invitae Variant Classification Sherloc (09022015). Collection method: clinical testing. Allele origin: germline.

PreventionGenetics, part of Exact Sciences
Classification: Likely benign for PROM1-related condition. Last evaluated: 2025-05-22. Review status: criteria provided, single submitter. Criteria: ACMG Guidelines, 2015. Collection method: clinical testing. Allele origin: germline.
Comment: This variant is classified as likely benign based on ACMG/AMP sequence variant interpretation guidelines (Richards et al. 2015 PMID: 25741868, with internal and published modifications).

NM_006017.3(PROM1):c.2281-22C>G

Gene: PROM1 (prominin 1; minus strand). Cytogenetic location: 4p15.32.
Variant type: single nucleotide variant.
Coding change: c.2281-22C>G on transcript NM_006017.3 (MANE Select); 22 bases into the intron before coding-DNA position 2281, C replaced by G.
Molecular consequence: intron variant.
Genome position (GRCh38, 1-based): chr4:15,984,377, G>C on the plus strand (C>G on the coding strand, the complement: PROM1 is on the minus strand). VCF-style: chr4-15984377-G-C. GRCh37 (hg19) VCF-style: chr4-15986000-G-C.
Other names: c.2254-22C>G (NM_001145848.2, NM_001145852.2, NM_001145847.2 and 4 more transcripts); c.2281-22C>G (NM_001145850.2, NM_001145849.2, NM_006017.2).
Identifiers: ClinVar variation 1647295 (VCV001647295.9), dbSNP rs201106960, ClinGen allele CA2866445.
Genomic context (GRCh38, chr4:15,984,377, plus strand): 5'-GGTGGCCACAGGTTTGCACGATGCCACTTTCTCACTGATCTAGGGGGGTGGAAACACAGG[G>C]AAACTTTGAGCTGCATCCACAAAAACCCAAAGGAATGAGACGTGCCATTTACTTTTGACT-3'